The following is an entry in ClinVar:

ClinVar aggregate classification (germline): Uncertain significance (1 of 4 stars; one submission).

Allele frequency attached by ClinVar (database versions not stated): gnomAD exomes below 0.00001; gnomAD 0.00001.
gnomAD v4.1: 2 of 1,599,006 alleles (0.00013%); highest among the groups gnomAD compares: Admixed American, 0.0036%; no homozygotes.

Submission:

Labcorp Genetics (formerly Invitae), Labcorp
Classification: Uncertain significance. Last evaluated: 2024-10-15. Review status: criteria provided, single submitter. Criteria: Invitae Variant Classification Sherloc (09022015). Collection method: clinical testing. Allele origin: germline.
Comment: This sequence change replaces isoleucine, which is neutral and non-polar, with threonine, which is neutral and polar, at codon 192 of the FAR1 protein (p.Ile192Thr). The frequency data for this variant in the population databases is considered unreliable, as metrics indicate poor data quality at this position in the gnomAD database. This variant has not been reported in the literature in individuals affected with FAR1-related conditions. ClinVar contains an entry for this variant (Variation ID: 1467926). Invitae Evidence Modeling of protein sequence and biophysical properties (such as structural, functional, and spatial information, amino acid conservation, physicochemical variation, residue mobility, and thermodynamic stability) indicates that this missense variant is not expected to disrupt FAR1 protein function with a negative predictive value of 80%. In summary, the available evidence is currently insufficient to determine the role of this variant in disease. Therefore, it has been classified as a Variant of Uncertain Significance.

NM_032228.6(FAR1):c.575T>C (p.Ile192Thr)

Gene: FAR1 (fatty acyl-CoA reductase 1; plus strand). Cytogenetic location: 11p15.3.
Variant type: single nucleotide variant.
Coding change: c.575T>C on transcript NM_032228.6 (MANE Select); coding-DNA position 575, T replaced by C.
Protein change: p.Ile192Thr; replaces isoleucine 192 with threonine.
Molecular consequence: missense variant.
Genome position (GRCh38, 1-based): chr11:13,710,722, T>C. VCF-style: chr11-13710722-T-C. GRCh37 (hg19) VCF-style: chr11-13732269-T-C.
Other names: short protein forms I192T.
Identifiers: ClinVar variation 1467926 (VCV001467926.8), dbSNP rs1464334357, ClinGen allele CA379857211.
Genomic context (GRCh38, chr11:13,710,722, plus strand): 5'-GAAATATATTTGTATGCAATTTCTTTACCAGGTGGATGGATGATGGCCTAGTAAATGATA[T>C]CACGCCAAAATTGATAGGAGACAGACCTAATACATACATATACACAAAAGCATTGGCAGA-3'
Protein context (NP_115604.1, residues 182-202): EWMDDGLVND[Ile192Thr]TPKLIGDRPN